The following is an entry in ClinVar:

NM_006087.4(TUBB4A):c.1053G>A (p.Thr351=)

Gene: TUBB4A (tubulin beta 4A class IVa; minus strand). Cytogenetic location: 19p13.3.
Variant type: single nucleotide variant.
Coding change: c.1053G>A on transcript NM_006087.4 (MANE Select); coding-DNA position 1053, G replaced by A.
Protein change: p.Thr351=; no amino-acid change (threonine 351 retained).
Molecular consequence: synonymous variant.
Genome position (GRCh38, 1-based): chr19:6,495,446, C>T on the plus strand (G>A on the coding strand, the complement: TUBB4A is on the minus strand). VCF-style: chr19-6495446-C-T. GRCh37 (hg19) VCF-style: chr19-6495457-C-T.
Other names: c.1206G>A, p.Thr402= (NM_001289123.2); c.1188G>A, p.Thr396= (NM_001289127.2); c.1053G>A, p.Thr351= (NM_001289129.2); c.837G>A, p.Thr279= (NM_001289130.2, NM_001289131.2).
Identifiers: ClinVar variation 1149372 (VCV001149372.23), dbSNP rs143924894, ClinGen allele CA9127283.

ClinVar aggregate classification (germline): Likely benign. Review status: criteria provided, multiple submitters, no conflicts (2 of 4 stars). 3 submissions from 3 submitters: Likely benign (3). Last evaluated 2025-06-03.

Conditions:
Leukodystrophy, hypomyelinating, 6. Also called: TUBB4A-Associated Leukodystrophy; Hypomyelination with Atrophy of Basal Ganglia and Cerebellum (H-ABC); LEUKODYSTROPHY, HYPOMYELINATING, WITH ATROPHY OF THE BASAL GANGLIA AND CEREBELLUM. Identifiers: Orphanet 139441, MedGen C2676244, MONDO:0012905, OMIM 612438.

Allele frequency attached by ClinVar (database versions not stated): gnomAD 0.00006 and 0.00011; gnomAD exomes 0.00013; ExAC 0.00021; ESP Exome Variant Server 0.00023.

Submissions (3):

Labcorp Genetics (formerly Invitae), Labcorp
Classification: Likely benign for Leukodystrophy, hypomyelinating, 6. Last evaluated: 2025-06-03. Review status: criteria provided, single submitter. Criteria: Invitae Variant Classification Sherloc (09022015). Collection method: clinical testing. Allele origin: germline.

CeGaT Center for Human Genetics Tuebingen
Classification: Likely benign. Last evaluated: 2025-01-01. Review status: criteria provided, single submitter. Criteria: CeGaT Center For Human Genetics Tuebingen Variant Classification Criteria Version 2. Collection method: clinical testing. Allele origin: germline. Affected: yes. Observed: 1 variant allele.
Comment: TUBB4A: BP4, BP7

Blueprint Genetics
Classification: Likely benign. Last evaluated: 2024-10-18. Review status: criteria provided, single submitter. Criteria: ACMG Guidelines, 2015. Collection method: clinical testing. Allele origin: germline.